The following is an entry in ClinVar:

ClinVar aggregate classification (germline): Uncertain significance. Review status: criteria provided, multiple submitters, no conflicts (2 of 4 stars). 2 submissions from 2 submitters: Uncertain significance (2). Last evaluated 2025-10-30.

Conditions:
Inborn genetic diseases. Identifiers: MedGen C0950123, MeSH D030342.

Allele frequency attached by ClinVar (database versions not stated): gnomAD 0.00002; ExAC 0.00003; ESP Exome Variant Server 0.00008; gnomAD exomes 0.00001 and 0.00002; TOPMed 0.00003.

Submissions (2):

Ambry Genetics
Classification: Uncertain significance for Inborn genetic diseases. Last evaluated: 2025-10-30. Review status: criteria provided, single submitter. Criteria: Ambry Variant Classification Scheme 2023. Collection method: clinical testing. Allele origin: germline.

GeneDx
Classification: Uncertain significance. Last evaluated: 2017-03-09. Review status: criteria provided, single submitter. Criteria: GeneDx Variant Classification (06012015). Collection method: clinical testing. Allele origin: germline. Affected: yes.
Comment: The R170W variant in the OTOGL gene has not been reported previously as a pathogenic variant, nor as a benign variant, to our knowledge. The R170W variant is not observed at a significant frequency in large population cohorts (Lek et al., 2016; 1000 Genomes Consortium et al., 2015; Exome Variant Server). The R170W variant is a non-conservative amino acid substitution, which is likely to impact secondary protein structure as these residues differ in polarity, charge, size and/or other properties. This substitution occurs at a position that is conserved across species, and in silico analysis predicts this variant is probably damaging to the protein structure/function. We interpret R170W as a variant of uncertain significance.

NM_001378609.3(OTOGL):c.535C>T (p.Arg179Trp)

Gene: OTOGL (otogelin like; plus strand). Cytogenetic location: 12q21.31.
Variant type: single nucleotide variant.
Coding change: c.535C>T on transcript NM_001378609.3 (MANE Select); coding-DNA position 535, C replaced by T.
Protein change: p.Arg179Trp; replaces arginine 179 with tryptophan.
Molecular consequence: missense variant.
Genome position (GRCh38, 1-based): chr12:80,229,302, C>T. VCF-style: chr12-80229302-C-T. GRCh37 (hg19) VCF-style: chr12-80623082-C-T.
Other names: c.535C>T, p.Arg179Trp (NM_001368062.3, NM_001378610.3, NM_173591.7); short protein forms R170W, R179W.
Identifiers: ClinVar variation 423818 (VCV000423818.3), dbSNP rs374355344, ClinGen allele CA6700207.